The following is an entry in ClinVar:

NM_001197104.2(KMT2A):c.11324A>G (p.Lys3775Arg)

Genes: KMT2A (lysine methyltransferase 2A; plus strand), TTC36-AS1 (TTC36 and KMT2A antisense RNA 1; minus strand). Cytogenetic location: 11q23.3.
Variant type: single nucleotide variant.
Coding change: c.11324A>G on transcript NM_001197104.2 (MANE Select); coding-DNA position 11324, A replaced by G.
Protein change: p.Lys3775Arg; replaces lysine 3775 with arginine.
Molecular consequence: missense variant.
Genome position (GRCh38, 1-based): chr11:118,519,959, A>G. VCF-style: chr11-118519959-A-G. GRCh37 (hg19) VCF-style: chr11-118390674-A-G.
Other names: c.11414A>G, p.Lys3805Arg (NM_001412597.1); c.11315A>G, p.Lys3772Arg (NM_005933.4); short protein forms K3772R, K3775R, K3805R.
Identifiers: ClinVar variation 2663208 (VCV002663208.1), dbSNP rs2497112354, ClinGen allele CA382833265.
Genomic context (GRCh38, chr11:118,519,959, plus strand): 5'-ATCCTTTACTGCTTTATTAAAGCATTTCTCTAAATATGTTTTAATCTTTTGGCCCCAGGA[A>G]GTCAGCATTTGACATGTTTAACTTCCTGGCTTCTAAACATCGTCAGCCTCCTGAATACAA-3'
Protein context (NP_001184033.1, residues 3765-3785): GSARAEVHLR[Lys3775Arg]SAFDMFNFLA

ClinVar aggregate classification (germline): Uncertain significance (1 of 4 stars; one submission).

Submission:

GeneDx
Classification: Uncertain significance. Last evaluated: 2023-04-13. Review status: criteria provided, single submitter. Criteria: GeneDx Variant Classification Process June 2021. Collection method: clinical testing. Allele origin: germline. Affected: yes.
Comment: Not observed at significant frequency in large population cohorts (gnomAD); In silico analysis supports that this missense variant does not alter protein structure/function; In silico analysis is inconclusive as to whether the variant alters gene splicing. In the absence of RNA/functional studies, the actual effect of this sequence change is unknown.; Has not been previously published as pathogenic or benign to our knowledge